The following is an entry in ClinVar:

NM_016006.6(ABHD5):c.*1662A>G

Gene: ABHD5 (abhydrolase domain containing 5, lysophosphatidic acid acyltransferase; plus strand). Cytogenetic location: 3p21.33.
Variant type: single nucleotide variant.
Coding change: c.*1662A>G on transcript NM_016006.6 (MANE Select); 1662 bases downstream of the stop codon, A replaced by G.
Molecular consequence: 3 prime UTR variant. On other transcripts: non-coding transcript variant (1), intron variant (1).
Genome position (GRCh38, 1-based): chr3:43,720,194, A>G. VCF-style: chr3-43720194-A-G. GRCh37 (hg19) VCF-style: chr3-43761686-A-G.
Other names: c.*1662A>G (NM_001365649.1); c.*1688A>G (NM_001365650.1); c.29+1633A>G (NM_001355186.2).
Identifiers: ClinVar variation 345245 (VCV000345245.5), dbSNP rs117110703, ClinGen allele CA10615890.

ClinVar aggregate classification (germline): Benign (1 of 4 stars; one submission).

Conditions:
Triglyceride storage disease with ichthyosis (CDS). Also called: Dorfman-Chanarin disease; ICHTHYOSIFORM ERYTHRODERMA WITH LEUKOCYTE VACUOLATION; TRIGLYCERIDE STORAGE DISEASE WITH IMPAIRED LONG-CHAIN FATTY ACID OXIDATION; Chanarin-Dorfman Syndrome. Identifiers: Orphanet 98907, MedGen C0268238, MONDO:0010155, OMIM 275630.

Allele frequency attached by ClinVar (database versions not stated): gnomAD 0.01819 and 0.02118; TOPMed 0.02036; 1000 Genomes Project 30x 0.03264; 1000 Genomes Project 0.03494.

Submission:

Illumina Laboratory Services, Illumina
Classification: Benign for Triglyceride storage disease with ichthyosis. Last evaluated: 2018-01-13. Review status: criteria provided, single submitter. Criteria: ICSL Variant Classification Criteria 13 December 2019. Collection method: clinical testing. Allele origin: germline.
Comment: This variant was observed in the ICSL laboratory as part of a predisposition screen in an ostensibly healthy population. It had not been previously curated by ICSL or reported in the Human Gene Mutation Database (HGMD: prior to June 1st, 2018), and was therefore a candidate for classification through an automated scoring system. Utilizing variant allele frequency, disease prevalence and penetrance estimates, and inheritance mode, an automated score was calculated to assess if this variant is too frequent to cause the disease. Based on the score and internal cut-off values, a variant classified as benign is not then subjected to further curation. The score for this variant resulted in a classification of benign for this disease.